The following is an entry in ClinVar:

NM_172107.4(KCNQ2):c.41C>G (p.Pro14Arg)

Gene: KCNQ2 (potassium voltage-gated channel subfamily Q member 2; minus strand). Cytogenetic location: 20q13.33.
Variant type: single nucleotide variant.
Coding change: c.41C>G on transcript NM_172107.4 (MANE Select); coding-DNA position 41, C replaced by G.
Protein change: p.Pro14Arg; replaces proline 14 with arginine.
Molecular consequence: missense variant.
Genome position (GRCh38, 1-based): chr20:63,472,423, G>C on the plus strand (C>G on the coding strand, the complement: KCNQ2 is on the minus strand). VCF-style: chr20-63472423-G-C. GRCh37 (hg19) VCF-style: chr20-62103776-G-C.
Other names: c.41C>G, p.Pro14Arg (NM_001382235.1, NM_004518.6, NM_172106.3 and 2 more transcripts); short protein forms P14R.
Identifiers: ClinVar variation 3768843 (VCV003768843.1).
Genomic context (GRCh38, chr20:63,472,423, plus strand): 5'-GAGTCGGGCGCGCCGGGGTCCAGCCCCACGAAGCCCACCTTCAGCTTCTTCTCCCCGCTC[G>C]GGCCGGGGTATACGCCGCCGTTGCGCGACTTCTGCACCATGGTGCCTGGCGGGAGGCGCC-3'
Protein context (NP_742105.1, residues 4-24): KSRNGGVYPG[Pro14Arg]SGEKKLKVGF

ClinVar aggregate classification (germline): Uncertain significance (1 of 4 stars; one submission).

Submission:

Women's Health and Genetics/Laboratory Corporation of America, LabCorp
Classification: Uncertain significance. Last evaluated: 2025-02-24. Review status: criteria provided, single submitter. Criteria: LabCorp Variant Classification Summary - May 2015. Collection method: clinical testing. Allele origin: germline.
Comment: Variant summary: KCNQ2 c.41C>G (p.Pro14Arg) results in a non-conservative amino acid change in the encoded protein sequence. Three of five in-silico tools predict a benign effect of the variant on protein function. The variant was absent in 138634 control chromosomes (gnomAD). The available data on variant occurrences in the general population are insufficient to allow any conclusion about variant significance. To our knowledge, no occurrence of c.41C>G in individuals affected with KCNQ2-Related Disorders and no experimental evidence demonstrating its impact on protein function have been reported. No submitters have cited clinical-significance assessments for this variant to ClinVar. Based on the evidence outlined above, the variant was classified as uncertain significance.